The following is an entry in ClinVar:

NM_001294.4(CLPTM1):c.255C>T (p.Pro85=)

Gene: CLPTM1 (CLPTM1 regulator of GABA type A receptor forward trafficking; plus strand). Cytogenetic location: 19q13.32.
Variant type: single nucleotide variant.
Coding change: c.255C>T on transcript NM_001294.4 (MANE Select); coding-DNA position 255, C replaced by T.
Protein change: p.Pro85=; no amino-acid change (proline 85 retained).
Molecular consequence: synonymous variant. On other transcripts: 5 prime UTR variant (1).
Genome position (GRCh38, 1-based): chr19:44,973,156, C>T. VCF-style: chr19-44973156-C-T. GRCh37 (hg19) VCF-style: chr19-45476413-C-T.
Other names: c.213C>T, p.Pro71= (NM_001282175.2); c.-52C>T (NM_001282176.2).
Identifiers: ClinVar variation 782057 (VCV000782057.6), dbSNP rs34586269, ClinGen allele CA9506769.

ClinVar aggregate classification (germline): Benign. Review status: criteria provided, multiple submitters, no conflicts (2 of 4 stars). 3 submissions from 3 submitters: Benign (2). 1 of the submissions does not count toward it. Last evaluated 2018-06-14.

Conditions:
CLPTM1-related disorder. Also called: CLPTM1-related condition.

Allele frequency attached by ClinVar (database versions not stated): gnomAD 0.01171 and 0.01257; ESP Exome Variant Server 0.01230; 1000 Genomes Project 30x 0.01374; gnomAD exomes 0.00320; 1000 Genomes Project 0.01238; ExAC 0.00365; TOPMed 0.01383.
gnomAD v4.1: 3,692 of 1,614,020 alleles (0.23%); highest among the groups gnomAD compares: African/African-American, 3.7%; 52 homozygotes.

Submissions (3):

Labcorp Genetics (formerly Invitae), Labcorp
Classification: Benign. Last evaluated: 2018-06-14. Review status: criteria provided, single submitter. Criteria: Invitae Variant Classification Sherloc (09022015). Collection method: clinical testing. Allele origin: germline.

Breakthrough Genomics
Classification: Benign. Review status: criteria provided, single submitter. Criteria: ACMG Guidelines, 2015. Collection method: not provided. Allele origin: germline. Inheritance: Unknown mechanism. Affected: yes.

PreventionGenetics, part of Exact Sciences
Classification: Benign for CLPTM1-related condition. Last evaluated: 2019-04-11. Review status: no assertion criteria provided. Collection method: clinical testing. Allele origin: germline. Not counted in ClinVar's aggregate classification.
Comment: This variant is classified as benign based on ACMG/AMP sequence variant interpretation guidelines (Richards et al. 2015 PMID: 25741868, with internal and published modifications).